The following is an entry in ClinVar:

ClinVar aggregate classification (germline): Pathogenic (1 of 4 stars; one submission).

Conditions:
PRPH2-related disorder. Also called: PRPH2-related condition; PRPH2-related disorders. Identifiers: MedGen CN239395.

Submission:

Labcorp Genetics (formerly Invitae), Labcorp
Classification: Pathogenic for PRPH2-related disorder. Last evaluated: 2023-12-27. Review status: criteria provided, single submitter. Criteria: Invitae Variant Classification Sherloc (09022015). Collection method: clinical testing. Allele origin: germline.
Comment: This sequence change creates a premature translational stop signal (p.Lys80*) in the PRPH2 gene. It is expected to result in an absent or disrupted protein product. Loss-of-function variants in PRPH2 are known to be pathogenic (PMID: 8111389, 8485575, 8485576, 8675410, 16916875, 17504850, 22863181, 25675413, 26061163, 27365499, 29555955, 33546218). This variant is not present in population databases (gnomAD no frequency). This variant has not been reported in the literature in individuals affected with PRPH2-related conditions. For these reasons, this variant has been classified as Pathogenic.

Literature cited by the submitters: PubMed 8111389; PubMed 8485575; PubMed 8485576; PubMed 8675410; PubMed 16916875; PubMed 17504850; PubMed 22863181; PubMed 25675413; PubMed 26061163; PubMed 27365499; PubMed 29555955; PubMed 33546218.

NM_000322.5(PRPH2):c.238A>T (p.Lys80Ter)

Gene: PRPH2 (peripherin 2; minus strand). Cytogenetic location: 6p21.1.
Variant type: single nucleotide variant.
Coding change: c.238A>T on transcript NM_000322.5 (MANE Select); coding-DNA position 238, A replaced by T.
Protein change: p.Lys80Ter; replaces lysine 80 with a stop codon.
Molecular consequence: nonsense.
Genome position (GRCh38, 1-based): chr6:42,722,097, T>A on the plus strand (A>T on the coding strand, the complement: PRPH2 is on the minus strand). VCF-style: chr6-42722097-T-A. GRCh37 (hg19) VCF-style: chr6-42689835-T-A.
Other names: short protein forms K80*.
Identifiers: ClinVar variation 2705801 (VCV002705801.3), dbSNP rs2548309835, ClinGen allele CA364138199.